The following is an entry in ClinVar:

NM_014241.4(HACD1):c.808A>G (p.Met270Val)

Gene: HACD1 (3-hydroxyacyl-CoA dehydratase 1; minus strand). Cytogenetic location: 10p12.33.
Variant type: single nucleotide variant.
Coding change: c.808A>G on transcript NM_014241.4 (MANE Select); coding-DNA position 808, A replaced by G.
Protein change: p.Met270Val; replaces methionine 270 with valine.
Molecular consequence: missense variant.
Genome position (GRCh38, 1-based): chr10:17,590,423, T>C on the plus strand (A>G on the coding strand, the complement: HACD1 is on the minus strand). VCF-style: chr10-17590423-T-C. GRCh37 (hg19) VCF-style: chr10-17632422-T-C.
Other names: c.808A>G (NM_014241.3); short protein forms M270V.
Identifiers: ClinVar variation 1472227 (VCV001472227.9), dbSNP rs1554815474, ClinGen allele CA376192384.
Genomic context (GRCh38, chr10:17,590,423, plus strand): 5'-TTTAATCATCCTTTTCTACAATCACCTCTCCATGAAGCACCTTTCTTCTTTGACGTAACA[T>C]ATGAAAATAGAGTTGTGGAAACACTTCATTGAAAAAGAAAACAAAGAAAAACAAGCTATT-3'
Protein context (NP_055056.3, residues 260-280): IPLFPQLYFH[Met270Val]LRQRRKVLHG

ClinVar aggregate classification (germline): Uncertain significance. Review status: criteria provided, multiple submitters, no conflicts (2 of 4 stars). 2 submissions from 2 submitters: Uncertain significance (2). Last evaluated 2025-08-05.

Conditions:
Inborn genetic diseases. Identifiers: MedGen C0950123, MeSH D030342.

Allele frequency attached by ClinVar (database versions not stated): gnomAD 0.00001; TOPMed 0.00001.
gnomAD v4.1: 6 of 1,597,930 alleles (0.00038%); highest among the groups gnomAD compares: South Asian, 0.0011%; no homozygotes.

Submissions (2):

Ambry Genetics
Classification: Uncertain significance for Inborn genetic diseases. Last evaluated: 2025-08-05. Review status: criteria provided, single submitter. Criteria: Ambry Variant Classification Scheme 2023. Collection method: clinical testing. Allele origin: germline.

Labcorp Genetics (formerly Invitae), Labcorp
Classification: Uncertain significance. Last evaluated: 2021-05-18. Review status: criteria provided, single submitter. Criteria: Invitae Variant Classification Sherloc (09022015). Collection method: clinical testing. Allele origin: germline.
Comment: In summary, the available evidence is currently insufficient to determine the role of this variant in disease. Therefore, it has been classified as a Variant of Uncertain Significance. Algorithms developed to predict the effect of missense changes on protein structure and function are either unavailable or do not agree on the potential impact of this missense change (SIFT: "Deleterious"; PolyPhen-2: "Probably Damaging"; Align-GVGD: "Class C15"). This variant has not been reported in the literature in individuals with HACD1-related conditions. This variant is not present in population databases (ExAC no frequency). This sequence change replaces methionine with valine at codon 270 of the HACD1 protein (p.Met270Val). The methionine residue is highly conserved and there is a small physicochemical difference between methionine and valine.